The following is an entry in ClinVar:

ClinVar aggregate classification (germline): Uncertain significance. Review status: criteria provided, multiple submitters, no conflicts (2 of 4 stars). 2 submissions from 2 submitters: Uncertain significance (2). Last evaluated 2025-08-30.

Conditions:
Inborn genetic diseases. Identifiers: MedGen C0950123, MeSH D030342.
Familial cold autoinflammatory syndrome 3 (FCAS3). Also called: FAMILIAL ATYPICAL COLD URTICARIA; ANTIBODY DEFICIENCY AND IMMUNE DYSREGULATION, PLCG2-ASSOCIATED. Identifiers: Orphanet 300359, MedGen C3280914, MONDO:0013766, OMIM 614468.

gnomAD v4.1: 23 of 1,614,114 alleles (0.0014%); highest among the groups gnomAD compares: Non-Finnish European, 0.0019%; no homozygotes.

Submissions (2):

Labcorp Genetics (formerly Invitae), Labcorp
Classification: Uncertain significance for Familial cold autoinflammatory syndrome 3. Last evaluated: 2025-08-30. Review status: criteria provided, single submitter. Criteria: Invitae Variant Classification Sherloc (09022015). Collection method: clinical testing. Allele origin: germline.
Comment: This sequence change replaces glutamine, which is neutral and polar, with arginine, which is basic and polar, at codon 17 of the PLCG2 protein (p.Gln17Arg). This variant is present in population databases (no rsID available, gnomAD 0.0009%). This variant has not been reported in the literature in individuals affected with PLCG2-related conditions. ClinVar contains an entry for this variant (Variation ID: 1982820). An algorithm developed to predict the effect of missense changes on protein structure and function (PolyPhen-2) suggests that this variant is likely to be tolerated. In summary, the available evidence is currently insufficient to determine the role of this variant in disease. Therefore, it has been classified as a Variant of Uncertain Significance.

Ambry Genetics
Classification: Uncertain significance for Inborn genetic diseases. Last evaluated: 2025-08-04. Review status: criteria provided, single submitter. Criteria: Ambry Variant Classification Scheme 2023. Collection method: clinical testing. Allele origin: germline.

NM_002661.5(PLCG2):c.50A>G (p.Gln17Arg)

Gene: PLCG2 (phospholipase C gamma 2; plus strand). Cytogenetic location: 16q23.3.
Variant type: single nucleotide variant.
Coding change: c.50A>G on transcript NM_002661.5 (MANE Select); coding-DNA position 50, A replaced by G.
Protein change: p.Gln17Arg; replaces glutamine 17 with arginine.
Molecular consequence: missense variant.
Genome position (GRCh38, 1-based): chr16:81,786,039, A>G. VCF-style: chr16-81786039-A-G. GRCh37 (hg19) VCF-style: chr16-81819644-A-G.
Other names: short protein forms Q17R.
Identifiers: ClinVar variation 1982820 (VCV001982820.5), dbSNP rs757826017, ClinGen allele CA396895362.